The following is an entry in ClinVar:

NM_000168.6(GLI3):c.1353G>T (p.Gln451His)

Gene: GLI3 (GLI family zinc finger 3; minus strand). Cytogenetic location: 7p14.1.
Variant type: single nucleotide variant.
Coding change: c.1353G>T on transcript NM_000168.6 (MANE Select); coding-DNA position 1353, G replaced by T.
Protein change: p.Gln451His; replaces glutamine 451 with histidine.
Molecular consequence: missense variant.
Genome position (GRCh38, 1-based): chr7:42,025,267, C>A on the plus strand (G>T on the coding strand, the complement: GLI3 is on the minus strand). VCF-style: chr7-42025267-C-A. GRCh37 (hg19) VCF-style: chr7-42064866-C-A.
Other names: short protein forms Q451H.
Identifiers: ClinVar variation 2947099 (VCV002947099.3), dbSNP rs1217142786, ClinGen allele CA367325190.
Genomic context (GRCh38, chr7:42,025,267, plus strand): 5'-CAAAGACACCAGTCTTGGGAGGAGTGGGCGCTGGCCTGTGCGGCCTCGGTGTCCTACCTG[C>A]TGCCCCCGAGCCCCTGGGCTGGGGAGGTCTTCATCGGGTTTGATCTTGGACCTCTTGTTG-3'
Protein context (NP_000159.3, residues 441-461): EDLPSPGARG[Gln451His]QEQPEGTTLV

ClinVar aggregate classification (germline): Uncertain significance (1 of 4 stars; one submission).

Conditions:
Pallister-Hall syndrome (PHS). Also called: HYPOTHALAMIC HAMARTOBLASTOMA, HYPOPITUITARISM, IMPERFORATE ANUS, AND POSTAXIAL POLYDACTYLY; GLI3-Related Pallister-Hall Syndrome. Identifiers: Orphanet 672, MedGen C0265220, MONDO:0007804, OMIM 146510.
Greig cephalopolysyndactyly syndrome (GCPS). Also called: POLYSYNDACTYLY WITH PECULIAR SKULL SHAPE; Greig syndrome; GLI3-Related Greig Cephalopolysyndactyly Syndrome. Identifiers: Orphanet 380, MedGen C0265306, MONDO:0008287, OMIM 175700.

Submission:

Labcorp Genetics (formerly Invitae), Labcorp
Classification: Uncertain significance for Pallister-Hall syndrome; Greig cephalopolysyndactyly syndrome. Last evaluated: 2023-04-25. Review status: criteria provided, single submitter. Criteria: Invitae Variant Classification Sherloc (09022015). Collection method: clinical testing. Allele origin: germline.
Comment: In summary, the available evidence is currently insufficient to determine the role of this variant in disease. Therefore, it has been classified as a Variant of Uncertain Significance. Advanced modeling of protein sequence and biophysical properties (such as structural, functional, and spatial information, amino acid conservation, physicochemical variation, residue mobility, and thermodynamic stability) performed at Invitae indicates that this missense variant is not expected to disrupt GLI3 protein function. This variant has not been reported in the literature in individuals affected with GLI3-related conditions. This variant is not present in population databases (gnomAD no frequency). This sequence change replaces glutamine, which is neutral and polar, with histidine, which is basic and polar, at codon 451 of the GLI3 protein (p.Gln451His).